The following is an entry in ClinVar:

NM_001379403.1(WDR26):c.1067A>G (p.Tyr356Cys)

Gene: WDR26 (WD repeat domain 26; minus strand). Cytogenetic location: 1q42.12.
Variant type: single nucleotide variant.
Coding change: c.1067A>G on transcript NM_001379403.1 (MANE Select); coding-DNA position 1067, A replaced by G.
Protein change: p.Tyr356Cys; replaces tyrosine 356 with cysteine.
Molecular consequence: missense variant.
Genome position (GRCh38, 1-based): chr1:224,419,613, T>C on the plus strand (A>G on the coding strand, the complement: WDR26 is on the minus strand). VCF-style: chr1-224419613-T-C. GRCh37 (hg19) VCF-style: chr1-224607315-T-C.
Other names: c.719A>G, p.Tyr240Cys (NM_001115113.3); c.767A>G, p.Tyr256Cys (NM_025160.7); short protein forms Y240C, Y256C, Y356C.
Identifiers: ClinVar variation 3368330 (VCV003368330.1).
Genomic context (GRCh38, chr1:224,419,613, plus strand): 5'-GTCCCTTTGCCTTCCCATTCTGCTTTTGCACGTAGGTCTTCTGCATGGCTACACATCAGA[T>C]ACCTAAAAATACAACAGAGAAAGCAACCAATATTAAACCCATTTCTTTGTAATAAATGTA-3'
Protein context (NP_001366332.1, residues 346-366): NTERIHVLSG[Tyr356Cys]LMCSHAEDLR

ClinVar aggregate classification (germline): Uncertain significance (1 of 4 stars; one submission).

Submission:

GeneDx
Classification: Uncertain significance. Last evaluated: 2024-01-26. Review status: criteria provided, single submitter. Criteria: GeneDx Variant Classification Process June 2021. Collection method: clinical testing. Allele origin: germline. Affected: yes.
Comment: In silico analysis supports that this missense variant has a deleterious effect on protein structure/function; Has not been previously published as pathogenic or benign to our knowledge